The following is an entry in ClinVar:

ClinVar aggregate classification (germline): Pathogenic (1 of 4 stars; one submission).

Conditions:
Paragangliomas with sensorineural hearing loss. Identifiers: MedGen C1868633.
Pheochromocytoma. Also called: MAX-Related Hereditary Paraganglioma-Pheochromocytoma Syndrome. Identifiers: Orphanet 29072, MedGen C0031511, MONDO:0008233, OMIM 171300, HP:0002666.
Carney-Stratakis syndrome. Also called: PARAGANGLIOMA AND GASTROINTESTINAL STROMAL TUMOR. Identifiers: Orphanet 97286, MedGen C1847319, MONDO:0011740, OMIM 606864.
Cowden syndrome 3 (CWS3). Identifiers: Orphanet 201, MedGen CN166604, MONDO:0014045.

gnomAD v4.1: 1 of 1,612,768 alleles (0.000062%); highest among the groups gnomAD compares: Non-Finnish European, 0.000085%; no homozygotes.

Submission:

Labcorp Genetics (formerly Invitae), Labcorp
Classification: Pathogenic for Carney-Stratakis syndrome; Paragangliomas with sensorineural hearing loss; Pheochromocytoma; Cowden syndrome 3. Last evaluated: 2025-10-21. Review status: criteria provided, single submitter. Criteria: Invitae Variant Classification Sherloc (09022015). Collection method: clinical testing. Allele origin: germline.
Comment: This sequence change creates a premature translational stop signal (p.Glu69*) in the SDHD gene. It is expected to result in an absent or disrupted protein product. Loss-of-function variants in SDHD are known to be pathogenic (PMID: 19454582, 19802898). This variant is not present in population databases (gnomAD no frequency). This premature translational stop signal has been observed in individual(s) with clinical features of SDHD-related conditions (PMID: 29386252). ClinVar contains an entry for this variant (Variation ID: 2927196). Studies have shown that this premature translational stop signal is associated with inconclusive levels of altered splicing (internal data). For these reasons, this variant has been classified as Pathogenic.

Literature cited by the submitters: PubMed 19454582; PubMed 19802898; PubMed 29386252.

NM_003002.4(SDHD):c.205G>T (p.Glu69Ter)

Gene: SDHD (succinate dehydrogenase complex subunit D; plus strand). Cytogenetic location: 11q23.1.
Variant type: single nucleotide variant.
Coding change: c.205G>T on transcript NM_003002.4 (MANE Select); coding-DNA position 205, G replaced by T.
Protein change: p.Glu69Ter; replaces glutamic acid 69 with a stop codon.
Molecular consequence: nonsense. On other transcripts: non-coding transcript variant (1), intron variant (1).
Genome position (GRCh38, 1-based): chr11:112,088,902, G>T. VCF-style: chr11-112088902-G-T. GRCh37 (hg19) VCF-style: chr11-111959626-G-T.
Other names: c.88G>T, p.Glu30Ter (NM_001276504.2); c.205G>T, p.Glu69Ter (NM_001276506.2); c.169+929G>T (NM_001276503.2); short protein forms E69*, E30*.
Identifiers: ClinVar variation 2927196 (VCV002927196.3), dbSNP rs202198133, ClinGen allele CA382617225.
Genomic context (GRCh38, chr11:112,088,902, plus strand): 5'-TTTATGAATCTGGTCCTTTTTGTAGCTGGCTCCAAGGCTGCATCTCTCCACTGGACTAGC[G>T]AGAGGGTTGTCAGTGTTTTGCTCCTGGGTCTGCTTCCGGCTGCTTATTTGAATCCTTGCT-3'